The following is an entry in ClinVar:

NM_000520.6(HEXA):c.889A>G (p.Thr297Ala)

Gene: HEXA (hexosaminidase subunit alpha; minus strand). Cytogenetic location: 15q23.
Variant type: single nucleotide variant.
Coding change: c.889A>G on transcript NM_000520.6 (MANE Select); coding-DNA position 889, A replaced by G.
Protein change: p.Thr297Ala; replaces threonine 297 with alanine.
Molecular consequence: missense variant. On other transcripts: non-coding transcript variant (1).
Genome position (GRCh38, 1-based): chr15:72,349,176, T>C on the plus strand (A>G on the coding strand, the complement: HEXA is on the minus strand). VCF-style: chr15-72349176-T-C. GRCh37 (hg19) VCF-style: chr15-72641517-T-C.
Other names: c.922A>G, p.Thr308Ala (NM_001318825.2); short protein forms T308A, T297A.
Identifiers: ClinVar variation 2168975 (VCV002168975.1), dbSNP rs1326725996, ClinGen allele CA393062484.

ClinVar aggregate classification (germline): Uncertain significance (1 of 4 stars; one submission).

Conditions:
Tay-Sachs disease (TSD). Also called: GM2 gangliosidosis, type 1; Hexosaminidase alpha-subunit deficiency (variant B); Sphingolipidosis, Tay-Sachs; Hexosaminidase A Deficiency; HEXA DEFICIENCY; HEXA Disorders. Identifiers: Orphanet 845, MedGen C0039373, MONDO:0010100, OMIM 272800.

Allele frequency attached by ClinVar (database versions not stated): gnomAD exomes below 0.00001; gnomAD 0.00001; TOPMed 0.00001.
gnomAD v4.1: 2 of 1,613,514 alleles (0.00012%); highest among the groups gnomAD compares: African/African-American, 0.0013%; no homozygotes.

Submission:

Labcorp Genetics (formerly Invitae), Labcorp
Classification: Uncertain significance for Tay-Sachs disease. Last evaluated: 2021-08-26. Review status: criteria provided, single submitter. Criteria: Invitae Variant Classification Sherloc (09022015). Collection method: clinical testing. Allele origin: germline.
Comment: This sequence change replaces threonine with alanine at codon 297 of the HEXA protein (p.Thr297Ala). The threonine residue is moderately conserved and there is a small physicochemical difference between threonine and alanine. This variant is not present in population databases (ExAC no frequency). This variant has not been reported in the literature in individuals affected with HEXA-related conditions. Algorithms developed to predict the effect of missense changes on protein structure and function are either unavailable or do not agree on the potential impact of this missense change (SIFT: "Deleterious"; PolyPhen-2: "Possibly Damaging"; Align-GVGD: "Class C0"). In summary, the available evidence is currently insufficient to determine the role of this variant in disease. Therefore, it has been classified as a Variant of Uncertain Significance.